The following is an entry in ClinVar:

ClinVar aggregate classification (germline): Benign. Review status: criteria provided, multiple submitters, no conflicts (2 of 4 stars). 2 submissions from 2 submitters: Benign (2). Last evaluated 2018-01-12.

Conditions:
Mitochondrial DNA depletion syndrome, encephalomyopathic form with methylmalonic aciduria (MTDPS5). Also called: Mitochondrial encephalomyopathy aminoacidopathy; MITOCHONDRIAL DNA DEPLETION SYNDROME, ENCEPHALOMYOPATHIC FORM, WITH OR WITHOUT METHYLMALONIC ACIDURIA, AUTOSOMAL RECESSIVE, SUCLA2-RELATED; Mitochondrial DNA depletion syndrome 5 (encephalomyopathic with or without methylmalonic aciduria); SUCLA2-Related Mitochondrial DNA Depletion Syndrome, Encephalomyopathic Form with Methylmalonic Aciduria. Identifiers: Orphanet 1933, MedGen C5980207, MONDO:0012791, OMIM 612073.

Allele frequency attached by ClinVar (database versions not stated): gnomAD 0.08057 and 0.08452; TOPMed 0.08099; 1000 Genomes Project 30x 0.08136; 1000 Genomes Project 0.08247; gnomAD exomes 0.11905.
gnomAD v4.1: 30,780 of 302,492 alleles (10%); highest among the groups gnomAD compares: South Asian, 18%; 2,039 homozygotes.

Submissions (2):

Illumina Laboratory Services, Illumina
Classification: Benign for Mitochondrial DNA depletion syndrome, encephalomyopathic form with methylmalonic aciduria. Last evaluated: 2018-01-12. Review status: criteria provided, single submitter. Criteria: ICSL Variant Classification Criteria 13 December 2019. Collection method: clinical testing. Allele origin: germline.
Comment: This variant was observed in the ICSL laboratory as part of a predisposition screen in an ostensibly healthy population. It had not been previously curated by ICSL or reported in the Human Gene Mutation Database (HGMD: prior to June 1st, 2018), and was therefore a candidate for classification through an automated scoring system. Utilizing variant allele frequency, disease prevalence and penetrance estimates, and inheritance mode, an automated score was calculated to assess if this variant is too frequent to cause the disease. Based on the score and internal cut-off values, a variant classified as benign is not then subjected to further curation. The score for this variant resulted in a classification of benign for this disease.

Breakthrough Genomics
Classification: Benign. Review status: criteria provided, single submitter. Criteria: ACMG Guidelines, 2015. Collection method: not provided. Allele origin: germline. Inheritance: Autosomal recessive inheritance. Affected: yes.

NM_003850.3(SUCLA2):c.*328A>G

Gene: SUCLA2 (succinate-CoA ligase ADP-forming subunit beta; minus strand). Cytogenetic location: 13q14.2.
Variant type: single nucleotide variant.
Coding change: c.*328A>G on transcript NM_003850.3 (MANE Select); 328 bases downstream of the stop codon, A replaced by G.
Molecular consequence: 3 prime UTR variant.
Genome position (GRCh38, 1-based): chr13:47,943,043, T>C on the plus strand (A>G on the coding strand, the complement: SUCLA2 is on the minus strand). VCF-style: chr13-47943043-T-C. GRCh37 (hg19) VCF-style: chr13-48517178-T-C.
Identifiers: ClinVar variation 312259 (VCV000312259.6), dbSNP rs13243, ClinGen allele CA10639617.